The following is an entry in ClinVar:

NM_000179.3(MSH6):c.610G>C (p.Glu204Gln)

Gene: MSH6 (mutS homolog 6; plus strand). Cytogenetic location: 2p16.3.
Variant type: single nucleotide variant.
Coding change: c.610G>C on transcript NM_000179.3 (MANE Select); coding-DNA position 610, G replaced by C.
Protein change: p.Glu204Gln; replaces glutamic acid 204 with glutamine.
Molecular consequence: missense variant. On other transcripts: 5 prime UTR variant (2), non-coding transcript variant (5), intron variant (8).
Genome position (GRCh38, 1-based): chr2:47,796,046, G>C. VCF-style: chr2-47796046-G-C. GRCh37 (hg19) VCF-style: chr2-48023185-G-C.
Other names: c.313G>C, p.Glu105Gln (NM_001406797.1, NM_001406801.1, NM_001406805.1 and 10 more transcripts); c.610G>C, p.Glu204Gln (NM_001406798.1, NM_001406800.1, NM_001406803.1 and 5 more transcripts); c.85G>C, p.Glu29Gln (NM_001406799.1, NM_001406806.1, NM_001406807.1); c.706G>C, p.Glu236Gln (NM_001406802.1, NM_001406795.1); c.532G>C, p.Glu178Gln (NM_001406804.1); c.616G>C, p.Glu206Gln (NM_001406813.1); c.-385G>C (NM_001406814.1); c.-293G>C (NM_001281494.2); and 3 more; short protein forms E206Q, E29Q, E236Q, E105Q, E148Q, E204Q, E178Q.
Identifiers: ClinVar variation 2822660 (VCV002822660.3), dbSNP rs2530523882, ClinGen allele CA346738874.

ClinVar aggregate classification (germline): Uncertain significance (1 of 4 stars; one submission).

Conditions:
Hereditary nonpolyposis colorectal neoplasms. Identifiers: MedGen C0009405, MeSH D003123.

Allele frequency attached by ClinVar (database versions not stated): gnomAD exomes below 0.00001.
gnomAD v4.1: 1 of 1,614,152 alleles (0.000062%); highest among the groups gnomAD compares: Non-Finnish European, 0.000085%; no homozygotes.

Submission:

Labcorp Genetics (formerly Invitae), Labcorp
Classification: Uncertain significance for Hereditary nonpolyposis colorectal neoplasms. Last evaluated: 2023-06-24. Review status: criteria provided, single submitter. Criteria: Invitae Variant Classification Sherloc (09022015). Collection method: clinical testing. Allele origin: germline.
Comment: In summary, the available evidence is currently insufficient to determine the role of this variant in disease. Therefore, it has been classified as a Variant of Uncertain Significance. Advanced modeling of protein sequence and biophysical properties (such as structural, functional, and spatial information, amino acid conservation, physicochemical variation, residue mobility, and thermodynamic stability) performed at Invitae indicates that this missense variant is not expected to disrupt MSH6 protein function. This variant has not been reported in the literature in individuals affected with MSH6-related conditions. This variant is not present in population databases (gnomAD no frequency). This sequence change replaces glutamic acid, which is acidic and polar, with glutamine, which is neutral and polar, at codon 204 of the MSH6 protein (p.Glu204Gln).